The following is an entry in ClinVar:

NM_005343.4(HRAS):c.260C>A (p.Thr87Asn)

Genes: HRAS (HRas proto-oncogene, GTPase; minus strand), LRRC56 (leucine rich repeat containing 56; plus strand). Cytogenetic location: 11p15.5.
Variant type: single nucleotide variant.
Coding change: c.260C>A on transcript NM_005343.4 (MANE Select); coding-DNA position 260, C replaced by A.
Protein change: p.Thr87Asn; replaces threonine 87 with asparagine.
Molecular consequence: missense variant. On other transcripts: 5 prime UTR variant (1).
Genome position (GRCh38, 1-based): chr11:533,796, G>T on the plus strand (C>A on the coding strand, the complement: HRAS is on the minus strand). VCF-style: chr11-533796-G-T. GRCh37 (hg19) VCF-style: chr11-533796-G-T.
Other names: c.260C>A, p.Thr87Asn (NM_001130442.3, NM_176795.5); c.-60C>A (NM_001318054.2); short protein forms T87N.
Identifiers: ClinVar variation 952111 (VCV000952111.10), dbSNP rs1851272986, ClinGen allele CA378924423.

ClinVar aggregate classification (germline): Uncertain significance (1 of 4 stars; one submission).

Conditions:
Costello syndrome (CSTLO). Also called: FCS SYNDROME; HRAS-Related Costello Syndrome; FACIOCUTANEOSKELETAL SYNDROME. Identifiers: Orphanet 3071, MedGen C0587248, MONDO:0009026, OMIM 218040.

Submission:

Labcorp Genetics (formerly Invitae), Labcorp
Classification: Uncertain significance for Costello syndrome. Last evaluated: 2022-09-18. Review status: criteria provided, single submitter. Criteria: Invitae Variant Classification Sherloc (09022015). Collection method: clinical testing. Allele origin: germline.
Comment: In summary, the available evidence is currently insufficient to determine the role of this variant in disease. Therefore, it has been classified as a Variant of Uncertain Significance. Advanced modeling of experimental studies (such as gene expression, population dynamics, functional pathways, and cell-cycle effects in cell culture) performed at Invitae indicates that this missense variant is not expected to disrupt HRAS protein function. ClinVar contains an entry for this variant (Variation ID: 952111). This variant has not been reported in the literature in individuals affected with HRAS-related conditions. This variant is not present in population databases (gnomAD no frequency). This sequence change replaces threonine, which is neutral and polar, with asparagine, which is neutral and polar, at codon 87 of the HRAS protein (p.Thr87Asn).